The following is an entry in ClinVar:

ClinVar aggregate classification (germline): Pathogenic (1 of 4 stars; one submission).

Allele frequency attached by ClinVar (database versions not stated): gnomAD exomes below 0.00001.

Submission:

Labcorp Genetics (formerly Invitae), Labcorp
Classification: Pathogenic. Last evaluated: 2022-06-06. Review status: criteria provided, single submitter. Criteria: Invitae Variant Classification Sherloc (09022015). Collection method: clinical testing. Allele origin: germline.
Comment: This sequence change creates a premature translational stop signal (p.Gln436Leufs*22) in the RP1 gene. While this is not anticipated to result in nonsense mediated decay, it is expected to disrupt the last 1721 amino acid(s) of the RP1 protein. This variant is not present in population databases (gnomAD no frequency). This variant has not been reported in the literature in individuals affected with RP1-related conditions. This variant disrupts the C-terminus of the RP1 protein. Many variants that disrupt this region have been reported in individuals with either autosomal dominant or autosomal recessive retinitis pigmentosa (PMID: 11527933, 19933189, 29425069, 30027431, 33681214). Therefore, variants that disrupt this region are expected to be disease-causing. For these reasons, this variant has been classified as Pathogenic.

Literature cited by the submitters: PubMed 11527933; PubMed 19933189; PubMed 29425069; PubMed 30027431; PubMed 33681214.

NM_006269.2(RP1):c.1299_1306dup (p.Gln436fs)

Gene: RP1 (RP1 axonemal microtubule associated; plus strand). Cytogenetic location: 8q12.1.
Variant type: Duplication.
Coding change: c.1299_1306dup on transcript NM_006269.2 (MANE Select); coding-DNA positions 1299 to 1306, 8 bases duplicated (TATCATCC; older notation c.1299_1306dupTATCATCC).
Protein change: p.Gln436fs; shifts the reading frame from glutamine 436.
Molecular consequence: frameshift variant. On other transcripts: intron variant (1).
Genome position (GRCh38, 1-based): chr8:54,625,181-54,625,188, TATCATCC duplicated. VCF-style (leftmost placement, unchanged base first): chr8-54625180-A-ATATCATCC. GRCh37 (hg19) VCF-style: chr8-55537740-A-ATATCATCC.
Other names: c.787+2893_787+2900dup (NM_001375654.1); short protein forms Q436fs.
Identifiers: ClinVar variation 2089074 (VCV002089074.4), dbSNP rs2536569041, ClinGen allele CA2580078485.